The following is an entry in ClinVar:

NM_001042681.2(RERE):c.452dup (p.Ala152fs)

Gene: RERE (arginine-glutamic acid dipeptide repeats; minus strand). Cytogenetic location: 1p36.23.
Variant type: Duplication.
Coding change: c.452dup on transcript NM_001042681.2 (MANE Select); coding-DNA position 452, one base duplicated (C; older notation c.452dupC).
Protein change: p.Ala152fs; shifts the reading frame from alanine 152.
Molecular consequence: frameshift variant.
Genome position (GRCh38, 1-based): chr1:8,614,631, G duplicated on the plus strand (C on the coding strand, the reverse complement: RERE is on the minus strand); the first of 6 consecutive G bases (chr1:8,614,631-8,614,636); duplicating any one gives the same sequence. VCF-style (leftmost placement, unchanged base first): chr1-8614630-T-TG. GRCh37 (hg19) VCF-style: chr1-8674689-T-TG.
Other names: c.452dup (NM_012102.3); c.452dup, p.Ala152fs (NM_012102.4); c.452dupC (NM_012102.4); short protein forms A152fs.
Identifiers: ClinVar variation 1526145 (VCV001526145.8), dbSNP rs1233062866, ClinGen allele CA739807971.

ClinVar aggregate classification (germline): Pathogenic/Likely pathogenic. Review status: criteria provided, multiple submitters, no conflicts (2 of 4 stars). 4 submissions from 4 submitters: Pathogenic (2); Likely pathogenic (2). Last evaluated 2026-01-30.

Conditions:
Neurodevelopmental disorder with or without anomalies of the brain, eye, or heart (NEDBEH). Identifiers: Orphanet 494344, MedGen C5567477, MONDO:0014857, OMIM 616975.

Submissions (4):

GeneDx
Classification: Pathogenic. Last evaluated: 2026-01-30. Review status: criteria provided, single submitter. Criteria: GeneDx Variant Classification Process June 2021. Collection method: clinical testing. Allele origin: germline. Affected: yes.
Comment: Frameshift variant predicted to result in protein truncation or nonsense mediated decay in a gene for which loss of function is a known mechanism of disease; Not observed at significant frequency in large population cohorts (gnomAD); Has not been previously published as pathogenic or benign to our knowledge

Women's Health and Genetics/Laboratory Corporation of America, LabCorp
Classification: Pathogenic for Neurodevelopmental disorder with or without anomalies of the brain, eye, or heart. Last evaluated: 2025-04-15. Review status: criteria provided, single submitter. Criteria: LabCorp Variant Classification Summary - May 2015. Collection method: clinical testing. Allele origin: germline.
Comment: Variant summary: RERE c.452dupC (p.Ala152SerfsX16) results in a premature termination codon, predicted to cause a truncation of the encoded protein or absence of the protein due to nonsense mediated decay, which are commonly known mechanisms for disease. The variant was absent in 249936 control chromosomes. c.452dupC has been observed in individual(s) with clinical features of Neurodevelopmental Disorder With Or Without Anomalies Of The Brain, Eye, Or Heart (internal data). To our knowledge, no experimental evidence demonstrating an impact on protein function has been reported. ClinVar contains an entry for this variant (Variation ID: 1526145). Based on the evidence outlined above, the variant was classified as pathogenic.

3billion
Classification: Likely pathogenic for Neurodevelopmental disorder with or without anomalies of the brain, eye, or heart. Last evaluated: 2022-03-22. Review status: criteria provided, single submitter. Criteria: ACMG Guidelines, 2015. Collection method: clinical testing. Allele origin: germline. Affected: yes. Observed: 1 heterozygote.
Comment: Frameshift: predicted to result in a loss or disruption of normal protein function through nonsense-mediated decay (NMD) or protein truncation. Multiple pathogenic variants are reported downstream of the variant.It is not observed in the gnomAD v2.1.1 dataset. Therefore, this variant is classified as likely pathogenic according to the recommendation of ACMG/AMP guideline.

Juno Genomics, Hangzhou Juno Genomics, Inc
Classification: Likely pathogenic for Neurodevelopmental disorder with or without anomalies of the brain, eye, or heart. Review status: criteria provided, single submitter. Criteria: ACMG Guidelines, 2015. Collection method: clinical testing. Allele origin: germline.
Comment: Null variant in a gene where loss of function (LOF) is a known mechanism of disease.;Absent from controls (or at extremely low frequency if recessive) in Genome Aggregation Database.